The following is an entry in ClinVar:

NM_004284.6(CHD1L):c.812C>T (p.Pro271Leu)

Gene: CHD1L (chromodomain helicase DNA binding protein 1 like; plus strand). Cytogenetic location: 1q21.1.
Variant type: single nucleotide variant.
Coding change: c.812C>T on transcript NM_004284.6 (MANE Select); coding-DNA position 812, C replaced by T.
Protein change: p.Pro271Leu; replaces proline 271 with leucine.
Molecular consequence: missense variant. On other transcripts: 5 prime UTR variant (12), non-coding transcript variant (15).
Genome position (GRCh38, 1-based): chr1:147,266,004, C>T. VCF-style: chr1-147266004-C-T. GRCh37 (hg19) VCF-style: chr1-146737663-C-T.
Other names: c.512C>T, p.Pro171Leu (NM_001256336.3); c.-32C>T (NM_001256337.3, NM_001348456.2, NM_001348457.2 and 9 more transcripts); c.200C>T, p.Pro67Leu (NM_001256338.3); c.596C>T, p.Pro199Leu (NM_001348451.2, NM_001348452.2); c.473C>T, p.Pro158Leu (NM_001348453.2, NM_024568.4); c.356C>T, p.Pro119Leu (NM_001348454.2); c.323C>T, p.Pro108Leu (NM_001348455.2); short protein forms P108L, P119L, P158L, P171L, P199L, P271L, P67L.
Identifiers: ClinVar variation 2672346 (VCV002672346.23), dbSNP rs2526812011, ClinGen allele CA342201357.

ClinVar aggregate classification (germline): Uncertain significance (1 of 4 stars; one submission).

Submission:

CeGaT Center for Human Genetics Tuebingen
Classification: Uncertain significance. Last evaluated: 2023-11-01. Review status: criteria provided, single submitter. Criteria: CeGaT Center For Human Genetics Tuebingen Variant Classification Criteria Version 2. Collection method: clinical testing. Allele origin: germline. Affected: yes. Observed: 1 variant allele.
Comment: CHD1L: PM2, PP2